The following is an entry in ClinVar:

NM_001035.3(RYR2):c.10699C>A (p.Arg3567Ser)

Gene: RYR2 (ryanodine receptor 2; plus strand). Cytogenetic location: 1q43.
Variant type: single nucleotide variant.
Coding change: c.10699C>A on transcript NM_001035.3 (MANE Select); coding-DNA position 10699, C replaced by A.
Protein change: p.Arg3567Ser; replaces arginine 3567 with serine.
Molecular consequence: missense variant.
Genome position (GRCh38, 1-based): chr1:237,726,282, C>A. VCF-style: chr1-237726282-C-A. GRCh37 (hg19) VCF-style: chr1-237889582-C-A.
Other names: short protein forms R3567S.
Identifiers: ClinVar variation 4758588 (VCV004758588.1).
Genomic context (GRCh38, chr1:237,726,282, plus strand): 5'-ATAAATGTAGTTTTACTTTTTTAGCTAACATAACATTTTTATTTCTTTCAGAAGTCTAAA[C>A]GTGTGGGTCGGAGACATTACTGTCTGGGAAGTACAGTGCTCAATGGCCTAGAGATTACTA-3'
Protein context (NP_001026.2, residues 3557-3577): VLFHLEQKSK[Arg3567Ser]VGRRHYCLVE

ClinVar aggregate classification (germline): Uncertain significance (1 of 4 stars; one submission).

Conditions:
Cardiomyopathy (CMYO). Also called: Cardiomyopathies. Identifiers: Orphanet 167848, MedGen C0878544, MONDO:0004994, HP:0001638. Inheritance: Various modes of inheritance.

gnomAD v4.1: 1 of 1,585,200 alleles (0.000063%); highest among the groups gnomAD compares: Non-Finnish European, 0.000086%; no homozygotes.

Submission:

Color Diagnostics, LLC DBA Color Health
Classification: Uncertain significance for Cardiomyopathy. Last evaluated: 2025-06-29. Review status: criteria provided, single submitter. Criteria: ACMG Guidelines, 2015. Collection method: clinical testing. Allele origin: germline.
Comment: This missense variant replaces arginine with serine at codon 3567 of the RYR2 protein. Computational prediction suggests that this variant may not impact protein structure and function. To our knowledge, functional studies have not been reported for this variant. This variant has not been reported in individuals affected with RYR2-related disorders in the literature. This variant has not been identified in the general population by the Genome Aggregation Database (gnomAD). The available evidence is insufficient to determine the role of this variant in disease conclusively. Therefore, this variant is classified as a Variant of Uncertain Significance.